The following is an entry in ClinVar:

NM_002887.4(RARS1):c.1292C>G (p.Pro431Arg)

Gene: RARS1 (arginyl-tRNA synthetase 1; plus strand). Cytogenetic location: 5q34.
Variant type: single nucleotide variant.
Coding change: c.1292C>G on transcript NM_002887.4 (MANE Select); coding-DNA position 1292, C replaced by G.
Protein change: p.Pro431Arg; replaces proline 431 with arginine.
Molecular consequence: missense variant.
Genome position (GRCh38, 1-based): chr5:168,506,777, C>G. VCF-style: chr5-168506777-C-G. GRCh37 (hg19) VCF-style: chr5-167933782-C-G.
Other names: short protein forms P431R.
Identifiers: ClinVar variation 2112832 (VCV002112832.4), dbSNP rs1302499142, ClinGen allele CA362082343.

ClinVar aggregate classification (germline): Uncertain significance (1 of 4 stars; one submission).

gnomAD v4.1: 2 of 1,613,808 alleles (0.00012%); highest among the groups gnomAD compares: Admixed American, 0.0033%; no homozygotes.

Submission:

Labcorp Genetics (formerly Invitae), Labcorp
Classification: Uncertain significance. Last evaluated: 2024-12-16. Review status: criteria provided, single submitter. Criteria: Invitae Variant Classification Sherloc (09022015). Collection method: clinical testing. Allele origin: germline.
Comment: This sequence change replaces proline, which is neutral and non-polar, with arginine, which is basic and polar, at codon 431 of the RARS protein (p.Pro431Arg). This variant is present in population databases (no rsID available, gnomAD 0.003%). This variant has not been reported in the literature in individuals affected with RARS-related conditions. ClinVar contains an entry for this variant (Variation ID: 2112832). Invitae Evidence Modeling of protein sequence and biophysical properties (such as structural, functional, and spatial information, amino acid conservation, physicochemical variation, residue mobility, and thermodynamic stability) indicates that this missense variant is not expected to disrupt RARS protein function with a negative predictive value of 80%. In summary, the available evidence is currently insufficient to determine the role of this variant in disease. Therefore, it has been classified as a Variant of Uncertain Significance.